The following is an entry in ClinVar:

ClinVar aggregate classification (germline): Uncertain significance. Review status: criteria provided, multiple submitters, no conflicts (2 of 4 stars). 2 submissions from 2 submitters: Uncertain significance (2). Last evaluated 2025-09-16.

Conditions:
Anemia, nonspherocytic hemolytic, due to G6PD deficiency (CNSHA1). Also called: Class I glucose-6-phosphate dehydrogenase deficiency; Favism, susceptibility to; Hemolytic anemia due to G6PD deficiency; ANEMIA, CONGENITAL, NONSPHEROCYTIC HEMOLYTIC, 1. Identifiers: Orphanet 466026, MedGen C2720289, MONDO:0010480, OMIM 300908.

Allele frequency attached by ClinVar (database versions not stated): TOPMed below 0.00001.

Submissions (2):

Labcorp Genetics (formerly Invitae), Labcorp
Classification: Uncertain significance for Anemia, nonspherocytic hemolytic, due to G6PD deficiency. Last evaluated: 2025-09-16. Review status: criteria provided, single submitter. Criteria: Invitae Variant Classification Sherloc (09022015). Collection method: clinical testing. Allele origin: germline.
Comment: This sequence change replaces asparagine, which is neutral and polar, with histidine, which is basic and polar, at codon 185 of the G6PD protein (p.Asn185His). This variant is not present in population databases (gnomAD no frequency). This variant has not been reported in the literature in individuals affected with G6PD-related conditions. ClinVar contains an entry for this variant (Variation ID: 2441604). Invitae Evidence Modeling of protein sequence and biophysical properties (such as structural, functional, and spatial information, amino acid conservation, physicochemical variation, residue mobility, and thermodynamic stability) indicates that this missense variant is expected to disrupt G6PD protein function with a positive predictive value of 80%. In summary, the available evidence is currently insufficient to determine the role of this variant in disease. Therefore, it has been classified as a Variant of Uncertain Significance.

Revvity Omics, Revvity
Classification: Uncertain significance for Anemia, nonspherocytic hemolytic, due to G6PD deficiency. Last evaluated: 2022-07-19. Review status: criteria provided, single submitter. Criteria: ACMG Guidelines, 2015. Collection method: clinical testing. Allele origin: germline.

NM_001360016.2(G6PD):c.553A>C (p.Asn185His)

Gene: G6PD (glucose-6-phosphate dehydrogenase; minus strand). Cytogenetic location: Xq28.
Variant type: single nucleotide variant.
Coding change: c.553A>C on transcript NM_001360016.2 (MANE Select); coding-DNA position 553, A replaced by C.
Protein change: p.Asn185His; replaces asparagine 185 with histidine.
Molecular consequence: missense variant.
Genome position (GRCh38, 1-based): chrX:154,534,429, T>G on the plus strand (A>C on the coding strand, the complement: G6PD is on the minus strand). VCF-style: chrX-154534429-T-G. GRCh37 (hg19) VCF-style: chrX-153762644-T-G.
Other names: c.643A>C, p.Asn215His (NM_000402.4); c.553A>C, p.Asn185His (NM_001042351.3); short protein forms N185H, N215H.
Identifiers: ClinVar variation 2441604 (VCV002441604.5), dbSNP rs958377740, ClinGen allele CA337317601.
Genomic context (GRCh38, chrX:154,534,429, plus strand): 5'-TGCCCAGGTAGTGGTCGATGCGGTAGATCTGGTCCTCACGGAACAGGGAGGAGATGTGGT[T>G]GGACAGCCGGTCAGAGCTCTGCAGGTCCCTCCCGAAGGGCTTCTCCACGATGATGCGGTT-3'
Protein context (NP_001346945.1, residues 175-195): RDLQSSDRLS[Asn185His]HISSLFREDQ